The following is an entry in ClinVar:

NM_001206927.2(DNAH8):c.12838C>T (p.Arg4280Ter)

Gene: DNAH8 (dynein axonemal heavy chain 8; plus strand). Cytogenetic location: 6p21.2.
Variant type: single nucleotide variant.
Coding change: c.12838C>T on transcript NM_001206927.2 (MANE Select); coding-DNA position 12838, C replaced by T.
Protein change: p.Arg4280Ter; replaces arginine 4280 with a stop codon.
Molecular consequence: nonsense.
Genome position (GRCh38, 1-based): chr6:38,982,349, C>T. VCF-style: chr6-38982349-C-T. GRCh37 (hg19) VCF-style: chr6-38950125-C-T.
Other names: c.12187C>T, p.Arg4063Ter (NM_001371.4); short protein forms R4063*, R4280*.
Identifiers: ClinVar variation 3626484 (VCV003626484.2).

ClinVar aggregate classification (germline): Pathogenic (1 of 4 stars; one submission).

Conditions:
Primary ciliary dyskinesia. Also called: Ciliary dyskinesia. Identifiers: Orphanet 244, MedGen C0008780, MONDO:0016575, HP:0012265.

gnomAD v4.1: 8 of 1,541,924 alleles (0.00052%); highest among the groups gnomAD compares: Non-Finnish European, 0.00063%; no homozygotes.

Submission:

Labcorp Genetics (formerly Invitae), Labcorp
Classification: Pathogenic for Primary ciliary dyskinesia. Last evaluated: 2024-04-03. Review status: criteria provided, single submitter. Criteria: Invitae Variant Classification Sherloc (09022015). Collection method: clinical testing. Allele origin: germline.
Comment: This sequence change creates a premature translational stop signal (p.Arg4280*) in the DNAH8 gene. It is expected to result in an absent or disrupted protein product. Loss-of-function variants in DNAH8 are known to be pathogenic (PMID: 24307375, 32619401, 32681648). This variant is present in population databases (rs780517346, gnomAD 0.003%). This variant has not been reported in the literature in individuals affected with DNAH8-related conditions. For these reasons, this variant has been classified as Pathogenic.

Literature cited by the submitters: PubMed 24307375; PubMed 32619401; PubMed 32681648.